The following is an entry in ClinVar:

NM_001145809.2(MYH14):c.2881T>C (p.Cys961Arg)

Gene: MYH14 (myosin heavy chain 14; plus strand). Cytogenetic location: 19q13.33.
Variant type: single nucleotide variant.
Coding change: c.2881T>C on transcript NM_001145809.2 (MANE Select); coding-DNA position 2881, T replaced by C.
Protein change: p.Cys961Arg; replaces cysteine 961 with arginine.
Molecular consequence: missense variant.
Genome position (GRCh38, 1-based): chr19:50,268,215, T>C. VCF-style: chr19-50268215-T-C. GRCh37 (hg19) VCF-style: chr19-50771472-T-C.
Other names: c.2881T>C (NM_001145809.1); c.2782T>C, p.Cys928Arg (NM_001077186.2); c.2758T>C, p.Cys920Arg (NM_024729.4); short protein forms C928R, C920R, C961R.
Identifiers: ClinVar variation 3915466 (VCV003915466.2).

ClinVar aggregate classification (germline): Uncertain significance. Review status: criteria provided, multiple submitters, no conflicts (2 of 4 stars). 2 submissions from 2 submitters: Uncertain significance (2). Last evaluated 2026-06-15.

Conditions:
Inborn genetic diseases. Identifiers: MedGen C0950123, MeSH D030342.
MYH14-related disorder. Also called: MYH14-related condition.

gnomAD v4.1: 56 of 1,557,860 alleles (0.0036%); highest among the groups gnomAD compares: Non-Finnish European, 0.0048%; no homozygotes.

Submissions (2):

PreventionGenetics, part of Exact Sciences
Classification: Uncertain significance for MYH14-related condition. Last evaluated: 2026-06-15. Review status: criteria provided, single submitter. Criteria: ACMG Guidelines, 2015. Collection method: clinical testing. Allele origin: germline.
Comment: The MYH14 c.2881T>C variant is predicted to result in the amino acid substitution p.Cys961Arg. To our knowledge, this variant has not been reported in the literature. This variant is reported in 0.0036% of alleles in individuals of European (Non-Finnish) descent in gnomAD. At this time, the clinical significance of this variant is uncertain due to the absence of conclusive functional and genetic evidence.

Ambry Genetics
Classification: Uncertain significance for Inborn genetic diseases. Last evaluated: 2025-06-10. Review status: criteria provided, single submitter. Criteria: Ambry Variant Classification Scheme 2023. Collection method: clinical testing. Allele origin: germline.